The following is an entry in ClinVar:

ClinVar aggregate classification (germline): Benign (1 of 4 stars; one submission).

Conditions:
Congenital muscular hypertrophy-cerebral syndrome (CDLS2). Also called: SMC1A-Related Cornelia de Lange Syndrome; Cornelia de Lange syndrome 2. Identifiers: Orphanet 199, MedGen C1802395, MONDO:0010370, OMIM 300590.

Allele frequency attached by ClinVar (database versions not stated): gnomAD 0.00256 and 0.00263; TOPMed 0.00309; 1000 Genomes Project 0.00477; 1000 Genomes Project 30x 0.00499.

Submission:

Illumina Laboratory Services, Illumina
Classification: Benign for Congenital muscular hypertrophy-cerebral syndrome. Last evaluated: 2018-01-13. Review status: criteria provided, single submitter. Criteria: ICSL Variant Classification Criteria 13 December 2019. Collection method: clinical testing. Allele origin: germline.
Comment: This variant was observed in the ICSL laboratory as part of a predisposition screen in an ostensibly healthy population. It had not been previously curated by ICSL or reported in the Human Gene Mutation Database (HGMD: prior to June 1st, 2018), and was therefore a candidate for classification through an automated scoring system. Utilizing variant allele frequency, disease prevalence and penetrance estimates, and inheritance mode, an automated score was calculated to assess if this variant is too frequent to cause the disease. Based on the score and internal cut-off values, a variant classified as benign is not then subjected to further curation. The score for this variant resulted in a classification of benign for this disease.

NM_006306.4(SMC1A):c.*1542T>C

Gene: SMC1A (structural maintenance of chromosomes 1A; minus strand). Cytogenetic location: Xp11.22.
Variant type: single nucleotide variant.
Coding change: c.*1542T>C on transcript NM_006306.4 (MANE Select); 1542 bases downstream of the stop codon, T replaced by C.
Molecular consequence: 3 prime UTR variant.
Genome position (GRCh38, 1-based): chrX:53,378,561, A>G on the plus strand (T>C on the coding strand, the complement: SMC1A is on the minus strand). VCF-style: chrX-53378561-A-G. GRCh37 (hg19) VCF-style: chrX-53405482-A-G.
Other names: c.*1542T>C (NM_001281463.1).
Identifiers: ClinVar variation 913479 (VCV000913479.4), dbSNP rs781783328, ClinGen allele CA413241360.
Genomic context (GRCh38, chrX:53,378,561, plus strand): 5'-TGAGTTCACATATGTACGTACAAGCATTAAAACAAAGTCTAAACGGAAGTACAACAAACA[A>G]CAGCCACTAAGAAGGGAAGGATCAAGGAGTGGTTGGTAGCTGAATGAGACTATCTTTAAC-3'